The following is an entry in ClinVar:

NM_001354930.2(RIPK1):c.98T>C (p.Leu33Pro)

Gene: RIPK1 (receptor interacting serine/threonine kinase 1; plus strand). Cytogenetic location: 6p25.2.
Variant type: single nucleotide variant.
Coding change: c.98T>C on transcript NM_001354930.2 (MANE Select); coding-DNA position 98, T replaced by C.
Protein change: p.Leu33Pro; replaces leucine 33 with proline.
Molecular consequence: missense variant. On other transcripts: 5 prime UTR variant (4).
Genome position (GRCh38, 1-based): chr6:3,076,921, T>C. VCF-style: chr6-3076921-T-C. GRCh37 (hg19) VCF-style: chr6-3077155-T-C.
Other names: c.-506T>C (NM_001317061.3, NM_001354932.2, NM_001354933.2 and 1 more transcripts); c.98T>C, p.Leu33Pro (NM_001354931.2, NM_003804.6); short protein forms L33P.
Identifiers: ClinVar variation 4704081 (VCV004704081.1).
Genomic context (GRCh38, chr6:3,076,921, plus strand): 5'-AATCCAGTGACTTCCTGGAGAGTGCAGAACTGGACAGCGGAGGCTTTGGGAAGGTGTCTC[T>C]GTGTTTCCACAGAACCCAGGGACTCATGATCATGAAAACAGTGTACAAGGGGCCCAACTG-3'
Protein context (NP_001341859.1, residues 23-43): LDSGGFGKVS[Leu33Pro]CFHRTQGLMI

ClinVar aggregate classification (germline): Uncertain significance (1 of 4 stars; one submission).

gnomAD v4.1: 1 of 1,612,236 alleles (0.000062%); highest among the groups gnomAD compares: Admixed American, 0.0017%; no homozygotes.

Submission:

Labcorp Genetics (formerly Invitae), Labcorp
Classification: Uncertain significance. Last evaluated: 2025-03-24. Review status: criteria provided, single submitter. Criteria: Invitae Variant Classification Sherloc (09022015). Collection method: clinical testing. Allele origin: germline.
Comment: This sequence change replaces leucine, which is neutral and non-polar, with proline, which is neutral and non-polar, at codon 33 of the RIPK1 protein (p.Leu33Pro). The frequency data for this variant in the population databases is considered unreliable, as metrics indicate poor data quality at this position in the gnomAD database. This variant has not been reported in the literature in individuals affected with RIPK1-related conditions. An algorithm developed to predict the effect of missense changes on protein structure and function (PolyPhen-2) suggests that this variant is likely to be disruptive. In summary, the available evidence is currently insufficient to determine the role of this variant in disease. Therefore, it has been classified as a Variant of Uncertain Significance.